The following is an entry in ClinVar:

NM_012431.3(SEMA3E):c.535A>G (p.Ile179Val)

Gene: SEMA3E (semaphorin 3E; minus strand). Cytogenetic location: 7q21.11.
Variant type: single nucleotide variant.
Coding change: c.535A>G on transcript NM_012431.3 (MANE Select); coding-DNA position 535, A replaced by G.
Protein change: p.Ile179Val; replaces isoleucine 179 with valine.
Molecular consequence: missense variant.
Genome position (GRCh38, 1-based): chr7:83,418,405, T>C on the plus strand (A>G on the coding strand, the complement: SEMA3E is on the minus strand). VCF-style: chr7-83418405-T-C. GRCh37 (hg19) VCF-style: chr7-83047721-T-C.
Other names: c.355A>G, p.Ile119Val (NM_001178129.2); c.535A>G (NM_012431.2); short protein forms I179V, I119V.
Identifiers: ClinVar variation 2068109 (VCV002068109.5), dbSNP rs779609772, ClinGen allele CA4322317.

ClinVar aggregate classification (germline): Uncertain significance. Review status: criteria provided, single submitter (1 of 4 stars). 2 submissions from 2 submitters: Uncertain significance (1). 1 of the submissions does not count toward it. Last evaluated 2024-09-27.

Conditions:
CHARGE syndrome (CHARGE). Also called: Hittner Hirsch Kreh syndrome; CHARGE ASSOCIATION--COLOBOMA, HEART ANOMALY, CHOANAL ATRESIA, RETARDATION, GENITAL AND EAR ANOMALIES; Coloboma, heart anomaly, choanal atresia, retardation, genital and ear anomalies; CHARGE association; Hall-Hittner syndrome. Identifiers: Orphanet 138, MedGen C0265354, MONDO:0008965.
SEMA3E-related disorder. Also called: SEMA3E-related condition.

Allele frequency attached by ClinVar (database versions not stated): gnomAD 0.00001; gnomAD exomes 0.00002; TOPMed 0.00002; ExAC 0.00005.
gnomAD v4.1: 31 of 1,610,538 alleles (0.0019%); highest among the groups gnomAD compares: Non-Finnish European, 0.0025%; no homozygotes.

Submissions (2):

Labcorp Genetics (formerly Invitae), Labcorp
Classification: Uncertain significance for CHARGE syndrome. Last evaluated: 2024-09-27. Review status: criteria provided, single submitter. Criteria: Invitae Variant Classification Sherloc (09022015). Collection method: clinical testing. Allele origin: germline.
Comment: This sequence change replaces isoleucine, which is neutral and non-polar, with valine, which is neutral and non-polar, at codon 179 of the SEMA3E protein (p.Ile179Val). This variant is present in population databases (rs779609772, gnomAD 0.006%). This variant has not been reported in the literature in individuals affected with SEMA3E-related conditions. ClinVar contains an entry for this variant (Variation ID: 2068109). Invitae Evidence Modeling of protein sequence and biophysical properties (such as structural, functional, and spatial information, amino acid conservation, physicochemical variation, residue mobility, and thermodynamic stability) indicates that this missense variant is not expected to disrupt SEMA3E protein function with a negative predictive value of 80%. In summary, the available evidence is currently insufficient to determine the role of this variant in disease. Therefore, it has been classified as a Variant of Uncertain Significance.

PreventionGenetics, part of Exact Sciences
Classification: Uncertain significance for SEMA3E-related condition. Last evaluated: 2024-07-23. Review status: no assertion criteria provided. Collection method: clinical testing. Allele origin: germline. Not counted in ClinVar's aggregate classification.
Comment: The SEMA3E c.535A>G variant is predicted to result in the amino acid substitution p.Ile179Val. To our knowledge, this variant has not been reported in the literature. This variant is reported in 0.0055% of alleles in individuals of European (Non-Finnish) descent in gnomAD. At this time, the clinical significance of this variant is uncertain due to the absence of conclusive functional and genetic evidence.